The following is an entry in ClinVar:

NM_000548.5(TSC2):c.2702dup (p.Leu902fs)

Gene: TSC2 (TSC complex subunit 2; plus strand). Cytogenetic location: 16p13.3.
Variant type: Duplication.
Coding change: c.2702dup on transcript NM_000548.5 (MANE Select); coding-DNA position 2702, one base duplicated (G; older notation c.2702dupG).
Protein change: p.Leu902fs; shifts the reading frame from leucine 902.
Molecular consequence: frameshift variant.
Genome position (GRCh38, 1-based): chr16:2,076,130, G duplicated. VCF-style (leftmost placement, unchanged base first): chr16-2076129-C-CG. GRCh37 (hg19) VCF-style: chr16-2126130-C-CG.
Other names: c.2702dup, p.Leu902fs (NM_001077183.3, NM_001114382.3, NM_001363528.2 and 3 more transcripts); c.2591dup, p.Leu865fs (NM_001318827.2); c.2555dup, p.Leu853fs (NM_001318829.2); c.2102dup, p.Leu702fs (NM_001318831.2); c.2735dup, p.Leu913fs (NM_001318832.2); c.2702dup, p.Leu902Profs (NM_001406663.1, NM_001406664.1, NM_001406665.1); c.2792dup, p.Leu932Profs (NM_001406667.1, NM_001406668.1); c.2591dup, p.Leu865Profs (NM_001406670.1, NM_001406678.1); and 8 more; short protein forms L702fs, L865fs, L913fs, L853fs, L902fs.
Identifiers: ClinVar variation 1794944 (VCV001794944.2), dbSNP rs2543909493, ClinGen allele CA2580090868.

ClinVar aggregate classification (germline): Pathogenic (1 of 4 stars; one submission).

Conditions:
Hereditary cancer-predisposing syndrome. Also called: Tumor predisposition; Hereditary Cancer Syndrome; Neoplastic Syndromes, Hereditary; Hereditary neoplastic syndrome. Identifiers: Orphanet 140162, MedGen C0027672, MeSH D009386, MONDO:0015356.

Submission:

Ambry Genetics
Classification: Pathogenic for Hereditary cancer-predisposing syndrome. Last evaluated: 2017-04-21. Review status: criteria provided, single submitter. Criteria: Ambry Variant Classification Scheme 2023. Collection method: clinical testing. Allele origin: germline.
Comment: The c.2702dupG pathogenic mutation, located in coding exon 23 of the TSC2 gene, results from a duplication of G at nucleotide position 2702, causing a translational frameshift with a predicted alternate stop codon (p.L902Pfs*13). This alteration is expected to result in loss of function by premature protein truncation or nonsense-mediated mRNA decay. As such, this alteration is interpreted as a disease-causing mutation.